The following is an entry in ClinVar:

NM_006059.4(LAMC3):c.967G>C (p.Glu323Gln)

Gene: LAMC3 (laminin subunit gamma 3; plus strand). Cytogenetic location: 9q34.12.
Variant type: single nucleotide variant.
Coding change: c.967G>C on transcript NM_006059.4 (MANE Select); coding-DNA position 967, G replaced by C.
Protein change: p.Glu323Gln; replaces glutamic acid 323 with glutamine.
Molecular consequence: missense variant.
Genome position (GRCh38, 1-based): chr9:131,036,323, G>C. VCF-style: chr9-131036323-G-C. GRCh37 (hg19) VCF-style: chr9-133911710-G-C.
Other names: short protein forms E323Q.
Identifiers: ClinVar variation 1463657 (VCV001463657.3), dbSNP rs780027053, ClinGen allele CA5286879.
Genomic context (GRCh38, chr9:131,036,323, plus strand): 5'-CGCTGCCTGCCCTTCTTCCAGGACCGCCCGTGGGCCCGGGGCACCGCCGAGGCTGCCCAC[G>C]AGTGTCTGCGTGAGTGTCTGAGTGTCACAGGGCATCAGGGACCCGAGGCTGGTGTTGCAG-3'
Protein context (NP_006050.3, residues 313-333): WARGTAEAAH[Glu323Gln]CLPCNCSGRS

ClinVar aggregate classification (germline): Uncertain significance (1 of 4 stars; one submission).

Submission:

Labcorp Genetics (formerly Invitae), Labcorp
Classification: Uncertain significance. Last evaluated: 2022-01-13. Review status: criteria provided, single submitter. Criteria: Invitae Variant Classification Sherloc (09022015). Collection method: clinical testing. Allele origin: germline.
Comment: This sequence change replaces glutamic acid, which is acidic and polar, with glutamine, which is neutral and polar, at codon 323 of the LAMC3 protein (p.Glu323Gln). This variant is not present in population databases (gnomAD no frequency). This variant has not been reported in the literature in individuals affected with LAMC3-related conditions. Algorithms developed to predict the effect of missense changes on protein structure and function (SIFT, PolyPhen-2, Align-GVGD) all suggest that this variant is likely to be disruptive. In summary, the available evidence is currently insufficient to determine the role of this variant in disease. Therefore, it has been classified as a Variant of Uncertain Significance.